The following is an entry in ClinVar:

ClinVar aggregate classification (germline): Uncertain significance (1 of 4 stars; one submission).

Conditions:
CTNND2-associated neurodevelopmental disorder.

Submission:

Institute of Human Genetics, University of Leipzig Medical Center
Classification: Uncertain significance for CTNND2-associated neurodevelopmental disorder. Last evaluated: 2024-11-05. Review status: criteria provided, single submitter. Criteria: ACMG Guidelines, 2015. Collection method: clinical testing. Allele origin: unknown. Inheritance: Autosomal dominant inheritance. Affected: yes.
Comment: Criteria applied: PM2

NM_001332.4:c.(37+1_38-1)_(287+1_288-1)del

Gene: CTNND2 (catenin delta 2; minus strand).
Variant type: Deletion.
Other names: c.(37+1_38-1)_(287+1_288-1)del (NM_001332.4).
Identifiers: ClinVar variation 3385384 (VCV003385384.2).